The following is an entry in ClinVar:

NM_013322.3(SNX10):c.111+1G>T

Gene: SNX10 (sorting nexin 10; plus strand). Cytogenetic location: 7p15.2.
Variant type: single nucleotide variant.
Coding change: c.111+1G>T on transcript NM_013322.3 (MANE Select); the canonical splice donor site of the intron after coding-DNA position 111, G replaced by T.
Molecular consequence: splice donor variant.
Genome position (GRCh38, 1-based): chr7:26,361,062, G>T. VCF-style: chr7-26361062-G-T. GRCh37 (hg19) VCF-style: chr7-26400682-G-T.
Other names: c.189+1G>T (NM_001362754.1, NM_001362753.1, NM_001318198.1); c.111+1G>T (NM_001199835.1, NM_001318199.3); c.102+1G>T (NM_001199837.3).
Identifiers: ClinVar variation 2794892 (VCV002794892.3), dbSNP rs775298474, ClinGen allele CA4195174.

ClinVar aggregate classification (germline): Likely pathogenic (1 of 4 stars; one submission).

Allele frequency attached by ClinVar (database versions not stated): ExAC 0.00001; gnomAD 0.00001; TOPMed 0.00001.

Submission:

Labcorp Genetics (formerly Invitae), Labcorp
Classification: Likely pathogenic. Last evaluated: 2023-05-26. Review status: criteria provided, single submitter. Criteria: Invitae Variant Classification Sherloc (09022015). Collection method: clinical testing. Allele origin: germline.
Comment: In summary, the currently available evidence indicates that the variant is pathogenic, but additional data are needed to prove that conclusively. Therefore, this variant has been classified as Likely Pathogenic. Algorithms developed to predict the effect of sequence changes on RNA splicing suggest that this variant may disrupt the consensus splice site. This variant has not been reported in the literature in individuals affected with SNX10-related conditions. This variant is present in population databases (rs775298474, gnomAD 0.007%). This sequence change affects a donor splice site in intron 3 of the SNX10 gene. It is expected to disrupt RNA splicing. Variants that disrupt the donor or acceptor splice site typically lead to a loss of protein function (PMID: 16199547), and loss-of-function variants in SNX10 are known to be pathogenic (PMID: 23123320, 23280965, 25811986).

Literature cited by the submitters: PubMed 16199547; PubMed 23123320; PubMed 23280965; PubMed 25811986.